The following is an entry in ClinVar:

ClinVar aggregate classification (germline): Uncertain significance. Review status: criteria provided, multiple submitters, no conflicts (2 of 4 stars). 2 submissions from 2 submitters: Uncertain significance (2). Last evaluated 2025-10-16.

Allele frequency attached by ClinVar (database versions not stated): gnomAD exomes 0.00001.

Submissions (2):

Ambry Genetics
Classification: Uncertain significance. Last evaluated: 2025-10-16. Review status: criteria provided, single submitter. Criteria: Ambry Variant Classification Scheme 2023. Collection method: clinical testing. Allele origin: germline.
Comment: The p.P69A variant (also known as c.205C>G), located in coding exon 1 of the GALNT12 gene, results from a C to G substitution at nucleotide position 205. The proline at codon 69 is replaced by alanine, an amino acid with highly similar properties. This amino acid position is well conserved in available vertebrate species. In addition, this alteration is predicted to be tolerated by in silico analysis. Since supporting evidence is limited at this time, the clinical significance of this alteration remains unclear.

Labcorp Genetics (formerly Invitae), Labcorp
Classification: Uncertain significance. Last evaluated: 2020-08-07. Review status: criteria provided, single submitter. Criteria: Invitae Variant Classification Sherloc (09022015). Collection method: clinical testing. Allele origin: germline.
Comment: In summary, the available evidence is currently insufficient to determine the role of this variant in disease. Therefore, it has been classified as a Variant of Uncertain Significance. This variant has not been reported in the literature in individuals with GALNT12-related conditions. The frequency data for this variant in the population databases is considered unreliable, as metrics indicate insufficient coverage at this position in the ExAC database. This sequence change replaces proline with alanine at codon 69 of the GALNT12 protein (p.Pro69Ala). The proline residue is weakly conserved and there is a small physicochemical difference between proline and alanine.

NM_024642.5(GALNT12):c.205C>G (p.Pro69Ala)

Gene: GALNT12 (polypeptide N-acetylgalactosaminyltransferase 12; plus strand). Cytogenetic location: 9q22.33.
Variant type: single nucleotide variant.
Coding change: c.205C>G on transcript NM_024642.5 (MANE Select); coding-DNA position 205, C replaced by G.
Protein change: p.Pro69Ala; replaces proline 69 with alanine.
Molecular consequence: missense variant.
Genome position (GRCh38, 1-based): chr9:98,807,903, C>G. VCF-style: chr9-98807903-C-G. GRCh37 (hg19) VCF-style: chr9-101570185-C-G.
Other names: short protein forms P69A.
Identifiers: ClinVar variation 820622 (VCV000820622.14), dbSNP rs1588436249, ClinGen allele CA374222519.
Genomic context (GRCh38, chr9:98,807,903, plus strand): 5'-GAGCCGGGACCCCCGCGCACCCCGCGCCCCGGGCGGCGCGAGCCGGTCATGCCGCGGCCG[C>G]CGGTGCCGGCGAACGCGCTGGGCGCGCGGGGCGAGGCGGTGCGGCTGCAGCTGCAGGGCG-3'
Protein context (NP_078918.3, residues 59-79): GRREPVMPRP[Pro69Ala]VPANALGARG